The following is an entry in ClinVar:

NM_053025.4(MYLK):c.4620-5C>T

Gene: MYLK (myosin light chain kinase; minus strand). Cytogenetic location: 3q21.1.
Variant type: single nucleotide variant.
Coding change: c.4620-5C>T on transcript NM_053025.4 (MANE Select); 5 bases into the intron before coding-DNA position 4620, C replaced by T.
Molecular consequence: intron variant.
Genome position (GRCh38, 1-based): chr3:123,640,509, G>A on the plus strand (C>T on the coding strand, the complement: MYLK is on the minus strand). VCF-style: chr3-123640509-G-A. GRCh37 (hg19) VCF-style: chr3-123359356-G-A.
Other names: c.4092-5C>T (NM_001321309.2); c.4413-5C>T (NM_053028.4, NM_053026.4); c.4620-5C>T (NM_053027.4).
Identifiers: ClinVar variation 547560 (VCV000547560.19), dbSNP rs760680632, ClinGen allele CA071933.

ClinVar aggregate classification (germline): Conflicting classifications of pathogenicity. Review status: criteria provided, conflicting classifications (1 of 4 stars). 6 submissions from 6 submitters: Uncertain significance (3); Likely benign (3). Last evaluated 2025-12-13.

Conditions:
Connective tissue disorder. Also called: Connective tissue disease. Identifiers: MedGen C0009782, MONDO:0003900.
Familial thoracic aortic aneurysm and aortic dissection (TAAD). Also called: Thoracic aortic aneurysms and dissections. Identifiers: Orphanet 91387, MedGen C4707243, MONDO:0019625.
Aortic aneurysm, familial thoracic 7 (AAT7). Also called: AORTIC DISSECTION, FAMILIAL, WITH OR WITHOUT AORTIC ANEURYSM. Identifiers: MedGen C3151077, MONDO:0013418, OMIM 613780.

Allele frequency attached by ClinVar (database versions not stated): gnomAD 0.00001 and 0.00002; gnomAD exomes 0.00001 and 0.00002; TOPMed 0.00003; ExAC 0.00004.
gnomAD v4.1: 19 of 1,613,666 alleles (0.0012%); highest among the groups gnomAD compares: Middle Eastern, 0.035%; no homozygotes.

Submissions (6):

Labcorp Genetics (formerly Invitae), Labcorp
Classification: Likely benign for Aortic aneurysm, familial thoracic 7. Last evaluated: 2025-12-13. Review status: criteria provided, single submitter. Criteria: Invitae Variant Classification Sherloc (09022015). Collection method: clinical testing. Allele origin: germline.

Ambry Genetics
Classification: Uncertain significance for Familial thoracic aortic aneurysm and aortic dissection. Last evaluated: 2024-12-13. Review status: criteria provided, single submitter. Criteria: Ambry Variant Classification Scheme 2023. Collection method: clinical testing. Allele origin: germline.
Comment: The c.4620-5C>T intronic variant results from a C to T substitution 5 nucleotides upstream from coding exon 25 in the MYLK gene. This nucleotide position is not well conserved in available vertebrate species. In silico splice site analysis predicts that this alteration will not have any significant effect on splicing. Based on the available evidence, the clinical significance of this variant remains unclear.

Blueprint Genetics
Classification: Likely benign. Last evaluated: 2024-07-19. Review status: criteria provided, single submitter. Criteria: ACMG Guidelines, 2015. Collection method: clinical testing. Allele origin: germline.

GeneDx
Classification: Likely benign. Last evaluated: 2020-11-25. Review status: criteria provided, single submitter. Criteria: GeneDx Variant Classification Process June 2021. Collection method: clinical testing. Allele origin: germline. Affected: yes.

CHEO Genetics Diagnostic Laboratory, Children's Hospital of Eastern Ontario
Classification: Uncertain significance for Familial thoracic aortic aneurysm and aortic dissection. Last evaluated: 2020-10-16. Review status: criteria provided, single submitter. Criteria: ACMG Guidelines, 2015. Collection method: clinical testing. Allele origin: germline.

Center for Human Genetics, Inc
Classification: Uncertain significance for Connective tissue disorder. Last evaluated: 2016-11-01. Review status: criteria provided, single submitter. Criteria: ACMG Guidelines, 2015. Collection method: clinical testing. Allele origin: germline. Affected: yes.